The following is an entry in ClinVar:

ClinVar aggregate classification (germline): Pathogenic (1 of 4 stars; one submission).

Conditions:
Developmental and epileptic encephalopathy 94 (DEE94). Also called: CHD2-Related Neurodevelopmental Disorders; Epileptic encephalopathy, childhood-onset. Identifiers: Orphanet 1942, Orphanet 2382, MedGen C3809278, MONDO:0014150, OMIM 615369.

Submission:

Labcorp Genetics (formerly Invitae), Labcorp
Classification: Pathogenic for Developmental and epileptic encephalopathy 94. Last evaluated: 2017-11-04. Review status: criteria provided, single submitter. Criteria: Invitae Variant Classification Sherloc (09022015). Collection method: clinical testing. Allele origin: germline.
Comment: This sequence change creates a premature translational stop signal (p.Glu361*) in the CHD2 gene. It is expected to result in an absent or disrupted protein product. This variant is not present in population databases (ExAC no frequency). This variant has not been reported in the literature in individuals with CHD2-related disease. Loss-of-function variants in CHD2 are known to be pathogenic (PMID: 23708187, 24207121). For these reasons, this variant has been classified as Pathogenic.

Literature cited by the submitters: PubMed 23708187; PubMed 24207121.

NM_001271.4(CHD2):c.1081G>T (p.Glu361Ter)

Gene: CHD2 (chromodomain helicase DNA binding protein 2; plus strand). Cytogenetic location: 15q26.1.
Variant type: single nucleotide variant.
Coding change: c.1081G>T on transcript NM_001271.4 (MANE Select); coding-DNA position 1081, G replaced by T.
Protein change: p.Glu361Ter; replaces glutamic acid 361 with a stop codon.
Molecular consequence: nonsense.
Genome position (GRCh38, 1-based): chr15:92,944,443, G>T. VCF-style: chr15-92944443-G-T. GRCh37 (hg19) VCF-style: chr15-93487673-G-T.
Other names: c.1081G>T, p.Glu361Ter (NM_001042572.3); short protein forms E361*.
Identifiers: ClinVar variation 541360 (VCV000541360.7), dbSNP rs1555439719, ClinGen allele CA393902979.